The following is an entry in ClinVar:

NM_001037333.3(CYFIP2):c.988T>C (p.Ser330Pro)

Gene: CYFIP2 (cytoplasmic FMR1 interacting protein 2; plus strand). Cytogenetic location: 5q33.3.
Variant type: single nucleotide variant.
Coding change: c.988T>C on transcript NM_001037333.3 (MANE Select); coding-DNA position 988, T replaced by C.
Protein change: p.Ser330Pro; replaces serine 330 with proline.
Molecular consequence: missense variant.
Genome position (GRCh38, 1-based): chr5:157,309,830, T>C. VCF-style: chr5-157309830-T-C. GRCh37 (hg19) VCF-style: chr5-156736838-T-C.
Other names: c.910T>C, p.Ser304Pro (NM_001291721.2); c.988T>C, p.Ser330Pro (NM_001291722.2, NM_014376.4); short protein forms S330P, S304P.
Identifiers: ClinVar variation 4718784 (VCV004718784.1).

ClinVar aggregate classification (germline): Uncertain significance (1 of 4 stars; one submission).

gnomAD v4.1: 3 of 1,591,148 alleles (0.00019%); highest among the groups gnomAD compares: South Asian, 0.0034%; no homozygotes.

Submission:

Labcorp Genetics (formerly Invitae), Labcorp
Classification: Uncertain significance. Last evaluated: 2025-05-01. Review status: criteria provided, single submitter. Criteria: Invitae Variant Classification Sherloc (09022015). Collection method: clinical testing. Allele origin: germline.
Comment: This sequence change replaces serine, which is neutral and polar, with proline, which is neutral and non-polar, at codon 330 of the CYFIP2 protein (p.Ser330Pro). This variant is present in population databases (no rsID available, gnomAD 0.004%). This variant has not been reported in the literature in individuals affected with CYFIP2-related conditions. Experimental studies and prediction algorithms are not available or were not evaluated, and the functional significance of this variant is currently unknown. In summary, the available evidence is currently insufficient to determine the role of this variant in disease. Therefore, it has been classified as a Variant of Uncertain Significance.